The following is an entry in ClinVar:

NC_012920.1(MT-ND5):m.13184T>C

Gene: MT-ND5 (mitochondrially encoded NADH dehydrogenase 5; plus strand).
Variant type: single nucleotide variant.
Genome position: chrM-13184-T-C.
Identifiers: ClinVar variation 693533 (VCV000693533.1), dbSNP rs1603224078, ClinGen allele CA414816848.

ClinVar aggregate classification (germline): Benign (1 of 4 stars; one submission).

Conditions:
Leigh syndrome (NULS). Also called: Leigh's necrotizing encephalopathy; Leigh's disease; Leigh Syndrome (mtDNA deletion); Leigh Disease; Subacute necrotizing encephalopathy; Necrotizing encephalopathy infantile subacute of Leigh. Identifiers: Orphanet 506, MedGen C2931891, MONDO:0009723, OMIM 256000.

Submission:

Wong Mito Lab, Molecular and Human Genetics, Baylor College of Medicine
Classification: Benign for Leigh syndrome. Last evaluated: 2019-10-17. Review status: criteria provided, single submitter. Criteria: Modified ACMG Guidelines (Unpublished). Collection method: clinical testing. Allele origin: germline.
Comment: The NC_012920.1:m.13184T>C (YP_003024036.1:p.Ile283Thr) variant in MTND5 gene is interpretated to be a Benign variant based on the modified ACMG guidelines (unpublished). This variant meets the following evidence codes: BS1, BS4, BP6